The following is an entry in ClinVar:

ClinVar aggregate classification (germline): Uncertain significance. Review status: criteria provided, multiple submitters, no conflicts (2 of 4 stars). 2 submissions from 2 submitters: Uncertain significance (2). Last evaluated 2025-09-17.

Conditions:
SHORT syndrome. Also called: LIPODYSTROPHY, PARTIAL, WITH RIEGER ANOMALY AND SHORT STATURE; SHORT STATURE, HYPEREXTENSIBILITY, HERNIA, OCULAR DEPRESSION, RIEGER ANOMALY, AND TEETHING DELAY; PIK3R1-Related SHORT Syndrome. Identifiers: Orphanet 3163, MedGen C0878684, MONDO:0010026, OMIM 269880.
Immunodeficiency 36 with lymphoproliferation. Also called: ACTIVATED PI3K-DELTA SYNDROME 2; Immunodeficiency 36; Activated PI3K Delta Syndrome Type 2 (APDS2). Identifiers: Orphanet 397596, Orphanet 693681, MedGen C4014934, MONDO:0014453, OMIM 616005.
Agammaglobulinemia 7, autosomal recessive (AGM7). Also called: AGAMMAGLOBULINEMIA, AUTOSOMAL RECESSIVE, DUE TO PIK3R1 DEFECT. Identifiers: MedGen C3554689, MONDO:0014083, OMIM 615214.

Allele frequency attached by ClinVar (database versions not stated): gnomAD 0.00001; gnomAD exomes 0.00001; TOPMed 0.00001; ExAC 0.00002.
gnomAD v4.1: 11 of 1,613,916 alleles (0.00068%); highest among the groups gnomAD compares: East Asian, 0.0022%; no homozygotes.

Submissions (2):

Labcorp Genetics (formerly Invitae), Labcorp
Classification: Uncertain significance for SHORT syndrome; Immunodeficiency 36 with lymphoproliferation; Agammaglobulinemia 7, autosomal recessive. Last evaluated: 2025-09-17. Review status: criteria provided, single submitter. Criteria: Invitae Variant Classification Sherloc (09022015). Collection method: clinical testing. Allele origin: germline.
Comment: This sequence change replaces valine, which is neutral and non-polar, with isoleucine, which is neutral and non-polar, at codon 74 of the PIK3R1 protein (p.Val74Ile). This variant is present in population databases (rs755953968, gnomAD 0.01%). This variant has not been reported in the literature in individuals affected with PIK3R1-related conditions. ClinVar contains an entry for this variant (Variation ID: 1414170). An algorithm developed to predict the effect of missense changes on protein structure and function (PolyPhen-2) suggests that this variant is likely to be disruptive. In summary, the available evidence is currently insufficient to determine the role of this variant in disease. Therefore, it has been classified as a Variant of Uncertain Significance.

CeGaT Center for Human Genetics Tuebingen
Classification: Uncertain significance. Last evaluated: 2024-11-01. Review status: criteria provided, single submitter. Criteria: CeGaT Center For Human Genetics Tuebingen Variant Classification Criteria Version 2. Collection method: clinical testing. Allele origin: germline. Affected: yes. Observed: 1 variant allele.
Comment: PIK3R1: PM2

NM_181523.3(PIK3R1):c.220G>A (p.Val74Ile)

Gene: PIK3R1 (phosphoinositide-3-kinase regulatory subunit 1; plus strand). Cytogenetic location: 5q13.1.
Variant type: single nucleotide variant.
Coding change: c.220G>A on transcript NM_181523.3 (MANE Select); coding-DNA position 220, G replaced by A.
Protein change: p.Val74Ile; replaces valine 74 with isoleucine.
Molecular consequence: missense variant.
Genome position (GRCh38, 1-based): chr5:68,226,895, G>A. VCF-style: chr5-68226895-G-A. GRCh37 (hg19) VCF-style: chr5-67522723-G-A.
Other names: short protein forms V74I.
Identifiers: ClinVar variation 1414170 (VCV001414170.20), dbSNP rs755953968, ClinGen allele CA3289949.